The following is an entry in ClinVar:

ClinVar aggregate classification (germline): Benign. Review status: criteria provided, multiple submitters, no conflicts (2 of 4 stars). 2 submissions from 2 submitters: Benign (2). Last evaluated 2018-06-14.

Allele frequency attached by ClinVar (database versions not stated): 1000 Genomes Project 30x 0.21518; 1000 Genomes Project 0.22105; TOPMed 0.22459; gnomAD 0.23438 and 0.23846; ESP Exome Variant Server 0.23938; gnomAD exomes 0.27023 and 0.29068; ExAC 0.27498.
gnomAD v4.1: 392,444 of 1,376,668 alleles (29%); highest among the groups gnomAD compares: South Asian, 32%; 58,353 homozygotes.

Submissions (2):

GeneDx
Classification: Benign. Last evaluated: 2018-06-14. Review status: criteria provided, single submitter. Criteria: GeneDx Variant Classification (06012015). Collection method: clinical testing. Allele origin: germline. Affected: yes.
Comment: This variant is considered likely benign or benign based on one or more of the following criteria: it is a conservative change, it occurs at a poorly conserved position in the protein, it is predicted to be benign by multiple in silico algorithms, and/or has population frequency not consistent with disease.

Breakthrough Genomics
Classification: Benign. Review status: criteria provided, single submitter. Criteria: ACMG Guidelines, 2015. Collection method: not provided. Allele origin: germline. Inheritance: Autosomal recessive inheritance. Affected: yes.

NM_001843.4(CNTN1):c.62-50A>C

Gene: CNTN1 (contactin 1; plus strand). Cytogenetic location: 12q12.
Variant type: single nucleotide variant.
Coding change: c.62-50A>C on transcript NM_001843.4 (MANE Select); 50 bases into the intron before coding-DNA position 62, A replaced by C.
Molecular consequence: intron variant.
Genome position (GRCh38, 1-based): chr12:40,910,023, A>C. VCF-style: chr12-40910023-A-C. GRCh37 (hg19) VCF-style: chr12-41303825-A-C.
Other names: c.62-50A>C (NM_001256063.2, NM_001256064.2); c.61+1530A>C (NM_175038.2).
Identifiers: ClinVar variation 680155 (VCV000680155.2), dbSNP rs2304819, ClinGen allele CA6516507.